The following is an entry in ClinVar:

NM_006015.6(ARID1A):c.6025C>T (p.Leu2009Phe)

Gene: ARID1A (AT-rich interaction domain 1A; plus strand). Cytogenetic location: 1p36.11.
Variant type: single nucleotide variant.
Coding change: c.6025C>T on transcript NM_006015.6 (MANE Select); coding-DNA position 6025, C replaced by T.
Protein change: p.Leu2009Phe; replaces leucine 2009 with phenylalanine.
Molecular consequence: missense variant.
Genome position (GRCh38, 1-based): chr1:26,779,923, C>T. VCF-style: chr1-26779923-C-T. GRCh37 (hg19) VCF-style: chr1-27106414-C-T.
Other names: c.5374C>T, p.Leu1792Phe (NM_139135.4); short protein forms L1792F, L2009F.
Identifiers: ClinVar variation 3718326 (VCV003718326.2).

ClinVar aggregate classification (germline): Uncertain significance (1 of 4 stars; one submission).

Submission:

Labcorp Genetics (formerly Invitae), Labcorp
Classification: Uncertain significance. Last evaluated: 2024-10-17. Review status: criteria provided, single submitter. Criteria: Invitae Variant Classification Sherloc (09022015). Collection method: clinical testing. Allele origin: germline.
Comment: This sequence change replaces leucine, which is neutral and non-polar, with phenylalanine, which is neutral and non-polar, at codon 2009 of the ARID1A protein (p.Leu2009Phe). This variant is not present in population databases (gnomAD no frequency). This variant has not been reported in the literature in individuals affected with ARID1A-related conditions. Invitae Evidence Modeling of protein sequence and biophysical properties (such as structural, functional, and spatial information, amino acid conservation, physicochemical variation, residue mobility, and thermodynamic stability) indicates that this missense variant is expected to disrupt ARID1A protein function with a positive predictive value of 80%. In summary, the available evidence is currently insufficient to determine the role of this variant in disease. Therefore, it has been classified as a Variant of Uncertain Significance.